The following is an entry in ClinVar:

NM_031220.4(PITPNM3):c.2327A>C (p.Tyr776Ser)

Gene: PITPNM3 (PITPNM family member 3; minus strand). Cytogenetic location: 17p13.2.
Variant type: single nucleotide variant.
Coding change: c.2327A>C on transcript NM_031220.4 (MANE Select); coding-DNA position 2327, A replaced by C.
Protein change: p.Tyr776Ser; replaces tyrosine 776 with serine.
Molecular consequence: missense variant.
Genome position (GRCh38, 1-based): chr17:6,461,536, T>G on the plus strand (A>C on the coding strand, the complement: PITPNM3 is on the minus strand). VCF-style: chr17-6461536-T-G. GRCh37 (hg19) VCF-style: chr17-6364856-T-G.
Other names: c.2219A>C, p.Tyr740Ser (NM_001165966.2); short protein forms Y740S, Y776S.
Identifiers: ClinVar variation 1367158 (VCV001367158.8), dbSNP rs1567659395, ClinGen allele CA397402249.

ClinVar aggregate classification (germline): Uncertain significance (1 of 4 stars; one submission).

Submission:

Labcorp Genetics (formerly Invitae), Labcorp
Classification: Uncertain significance. Last evaluated: 2022-07-19. Review status: criteria provided, single submitter. Criteria: Invitae Variant Classification Sherloc (09022015). Collection method: clinical testing. Allele origin: germline.
Comment: In summary, the available evidence is currently insufficient to determine the role of this variant in disease. Therefore, it has been classified as a Variant of Uncertain Significance. Algorithms developed to predict the effect of missense changes on protein structure and function are either unavailable or do not agree on the potential impact of this missense change (SIFT: "Deleterious"; PolyPhen-2: "Benign"; Align-GVGD: "Class C0"). ClinVar contains an entry for this variant (Variation ID: 1367158). This variant has not been reported in the literature in individuals affected with PITPNM3-related conditions. This variant is not present in population databases (gnomAD no frequency). This sequence change replaces tyrosine, which is neutral and polar, with serine, which is neutral and polar, at codon 776 of the PITPNM3 protein (p.Tyr776Ser).